The following is an entry in ClinVar:

NM_002485.5(NBN):c.881T>C (p.Met294Thr)

Gene: NBN (nibrin; minus strand). Cytogenetic location: 8q21.3.
Variant type: single nucleotide variant.
Coding change: c.881T>C on transcript NM_002485.5 (MANE Select); coding-DNA position 881, T replaced by C.
Protein change: p.Met294Thr; replaces methionine 294 with threonine.
Molecular consequence: missense variant.
Genome position (GRCh38, 1-based): chr8:89,970,379, A>G on the plus strand (T>C on the coding strand, the complement: NBN is on the minus strand). VCF-style: chr8-89970379-A-G. GRCh37 (hg19) VCF-style: chr8-90982607-A-G.
Other names: c.635T>C, p.Met212Thr (NM_001024688.3); short protein forms M294T, M212T.
Identifiers: ClinVar variation 421530 (VCV000421530.18), dbSNP rs779346343, ClinGen allele CA4802879.
Genomic context (GRCh38, chr8:89,970,379, plus strand): 5'-AATCTCCTACTTGCAGTTTTTTACTAATAAAGAATAATTCTATACCTTTGGAGCATATCC[A>G]TTATTGACTGAATCCATTTCTTCTGACAGTCAGGAATTAAGGTCTGTGAGTTTGTTATTC-3'
Protein context (NP_002476.2, residues 284-304): DCQKKWIQSI[Met294Thr]DMLQRQGLRP

ClinVar aggregate classification (germline): Uncertain significance. Review status: criteria provided, multiple submitters, no conflicts (2 of 4 stars). 5 submissions from 5 submitters: Uncertain significance (5). Last evaluated 2025-09-20.

Conditions:
Hereditary cancer-predisposing syndrome. Also called: Hereditary neoplastic syndrome; Hereditary Cancer Syndrome; Neoplastic Syndromes, Hereditary; Tumor predisposition. Identifiers: Orphanet 140162, MedGen C0027672, MeSH D009386, MONDO:0015356.
Microcephaly, normal intelligence and immunodeficiency (NBS). Also called: BERLIN BREAKAGE SYNDROME; SEEMANOVA SYNDROME II; Immunodeficiency, microcephaly with normal intelligence; Nijmegen breakage syndrome; Microcephaly with normal intelligence immunodeficiency and lymphoreticular malignancies; Nonsyndromal microcephaly autosomal recessive with normal intelligence. Identifiers: Orphanet 647, MedGen C0398791, MONDO:0009623, OMIM 251260.

Allele frequency attached by ClinVar (database versions not stated): gnomAD exomes below 0.00001; ExAC 0.00001; gnomAD 0.00001.
gnomAD v4.1: 1 of 1,611,244 alleles (0.000062%); highest among the groups gnomAD compares: Non-Finnish European, 0.000085%; no homozygotes.

Submissions (5):

Ambry Genetics
Classification: Uncertain significance for Hereditary cancer-predisposing syndrome. Last evaluated: 2025-09-20. Review status: criteria provided, single submitter. Criteria: Ambry Variant Classification Scheme 2023. Collection method: clinical testing. Allele origin: germline.
Comment: The p.M294T variant (also known as c.881T>C), located in coding exon 7 of the NBN gene, results from a T to C substitution at nucleotide position 881. The methionine at codon 294 is replaced by threonine, an amino acid with similar properties. This amino acid position is not well conserved in available vertebrate species. In addition, this alteration is predicted to be tolerated by in silico analysis. Since supporting evidence is limited at this time, the clinical significance of this alteration remains unclear.

Quest Diagnostics Nichols Institute San Juan Capistrano
Classification: Uncertain significance. Last evaluated: 2025-09-02. Review status: criteria provided, single submitter. Criteria: Quest Diagnostics criteria. Collection method: clinical testing. Allele origin: unknown.
Comment: The NBN c.881T>C (p.Met294Thr) variant has not been reported in individuals with NBN-related conditions in the published literature. The frequency of this variant in the general population (Genome Aggregation Database) is uninformative in the assessment of its pathogenicity. Analysis of this variant using bioinformatics tools for the prediction of the effect of amino acid changes on protein structure and function yielded predictions that this variant is benign. Based on the available information, we are unable to determine the clinical significance of this variant.

Labcorp Genetics (formerly Invitae), Labcorp
Classification: Uncertain significance for Microcephaly, normal intelligence and immunodeficiency. Last evaluated: 2022-07-06. Review status: criteria provided, single submitter. Criteria: Invitae Variant Classification Sherloc (09022015). Collection method: clinical testing. Allele origin: germline.
Comment: This variant is present in population databases (rs779346343, gnomAD 0.0009%). This variant has not been reported in the literature in individuals affected with NBN-related conditions. ClinVar contains an entry for this variant (Variation ID: 421530). This sequence change replaces methionine, which is neutral and non-polar, with threonine, which is neutral and polar, at codon 294 of the NBN protein (p.Met294Thr). Algorithms developed to predict the effect of missense changes on protein structure and function (SIFT, PolyPhen-2, Align-GVGD) all suggest that this variant is likely to be tolerated. In summary, the available evidence is currently insufficient to determine the role of this variant in disease. Therefore, it has been classified as a Variant of Uncertain Significance.

Genome-Nilou Lab
Classification: Uncertain significance for Microcephaly, normal intelligence and immunodeficiency. Last evaluated: 2021-11-07. Review status: criteria provided, single submitter. Criteria: ACMG Guidelines, 2015. Collection method: clinical testing. Allele origin: germline. Affected: no.

GeneDx
Classification: Uncertain significance. Last evaluated: 2016-06-28. Review status: criteria provided, single submitter. Criteria: GeneDx Variant Classification (06012015). Collection method: clinical testing. Allele origin: germline. Affected: yes.
Comment: This variant is denoted NBN c.881T>C at the cDNA level, p.Met294Thr (M294T) at the protein level, and results in the change of a Methionine to a Threonine (ATG>ACG). This variant has not, to our knowledge, been published in the literature as pathogenic or benign. NBN Met294Thr was not observed in approximately 6,500 individuals of European and African American ancestry in the NHLBI Exome Sequencing Project, suggesting it is not a common benign variant in these populations. Since Methionine and Threonine differ in polarity, charge, size or other properties, this is considered a non-conservative amino acid substitution. NBN Met294Thr occurs at a position where amino acids with properties similar to Methionine are tolerated across species and is located in the region known for interaction with MTOR, MAPKAP1 and RICTOR (UniProt). In silico analyses predict that this variant is unlikely to alter protein structure or function. Based on currently available evidence, it is unclear whether NBN Met294Thr is a pathogenic or benign variant. We consider it to be a variant of uncertain significance.